The following is an entry in ClinVar:

ClinVar aggregate classification (germline): Conflicting classifications of pathogenicity. Review status: criteria provided, conflicting classifications (1 of 4 stars). 10 submissions from 10 submitters: Uncertain significance (2); Benign (1); Likely benign (6). 1 of the submissions does not count toward it. Last evaluated 2026-06-01.

Conditions:
GJC2-related disorder. Also called: GJC2-related disorders; GJC2-related condition. Identifiers: MedGen CN230087.
Hereditary spastic paraplegia. Also called: Familial spastic paraparesis. Identifiers: Orphanet 685, MedGen C0037773, MONDO:0019064. Disease mechanism: loss of function.
Spastic paraplegia. Identifiers: MedGen C0037772, HP:0001258.

Allele frequency attached by ClinVar (database versions not stated): gnomAD 0.00109 and 0.00110; TOPMed 0.00135; 1000 Genomes Project 30x 0.00141; gnomAD exomes 0.00149 and 0.00178; 1000 Genomes Project 0.00180; ExAC 0.00443.
gnomAD v4.1: 2,688 of 1,573,830 alleles (0.17%); highest among the groups gnomAD compares: Non-Finnish European, 0.2%; 5 homozygotes.

Submissions (10):

CeGaT Center for Human Genetics Tuebingen
Classification: Likely benign. Last evaluated: 2026-06-01. Review status: criteria provided, single submitter. Criteria: CeGaT Center For Human Genetics Tuebingen Variant Classification Criteria Version 2. Collection method: clinical testing. Allele origin: germline. Affected: yes. Observed: 9 variant alleles.
Comment: GJC2: BS2

Labcorp Genetics (formerly Invitae), Labcorp
Classification: Likely benign for Spastic paraplegia. Last evaluated: 2025-12-24. Review status: criteria provided, single submitter. Criteria: Invitae Variant Classification Sherloc (09022015). Collection method: clinical testing. Allele origin: germline.

Women's Health and Genetics/Laboratory Corporation of America, LabCorp
Classification: Likely benign. Last evaluated: 2025-11-26. Review status: criteria provided, single submitter. Criteria: LabCorp Variant Classification Summary - May 2015. Collection method: clinical testing. Allele origin: germline.
Comment: Variant summary: GJC2 c.1193C>T (p.Thr398Ile) results in a non-conservative amino acid change in the encoded protein sequence. Algorithms developed to predict the effect of missense changes on protein structure and function are either unavailable or do not agree on the potential impact of this missense change. The variant allele was found at a frequency of 0.0015 in 183130 control chromosomes (gnomAD v2). This frequency is not significantly higher than estimated for disease-causing variants in GJC2, allowing no conclusion about variant significance. However in the gnomAD v4 database, a total of 5 homozygotes of this variant were observed. c.1193C>T has been reported in the literature in heterozygous individuals affected with Hypomyelinating Leukodystrophy 2 (Henneke_2008). However, no co-occurring variants were identified in these individuals. These report(s) do not provide unequivocal conclusions about association of the variant with Hypomyelinating Leukodystrophy 2. At least two publications report experimental evidence evaluating an impact on protein function. These results showed no damaging effect of this variant. (Kim_2013). The following publications have been ascertained in the context of this evaluation (PMID: 20442743, 18094336, 23544880). ClinVar contains an entry for this variant (Variation ID: 241296). Based on the evidence outlined above, the variant was classified as likely benign.

Mayo Clinic Laboratories, Mayo Clinic
Classification: Benign. Last evaluated: 2025-09-09. Review status: criteria provided, single submitter. Criteria: ACMG Guidelines, 2015. Collection method: clinical testing. Allele origin: germline. Observed: 5 variant alleles.
Comment: BS1, BS2

ARUP Laboratories, Molecular Genetics and Genomics, ARUP Laboratories
Classification: Uncertain significance. Last evaluated: 2025-03-20. Review status: criteria provided, single submitter. Criteria: ARUP Molecular Germline Variant Investigation Process 2024. Collection method: clinical testing. Allele origin: germline.
Comment: The GJC2 c.1193C>T; p.Thr398Ile variant (rs140942230), to our knowledge, is not reported in the medical literature or gene specific databases in association with vascular or lymphatic malformations. This variant is reported in the literature in several heterozygous individuals affected with Pelizaeus-Merzbacher-like disease, a form of hypomyelinating leukodystrophy, although no second variant was found in these individuals and the same variant occurred in an unaffected parent (Henneke 2008). This variant is found in the general population with an allele frequency of 0.14% (305/214368 alleles) in the Genome Aggregation Database. The threonine at codon 398 is moderately conserved, and computational analyses are uncertain whether this variant is neutral or deleterious (REVEL: 0.577). Functional studies of this variant are conflicting, with one report suggesting aberrant channel activity (Diekmann 2010), and a second report indicating normal localization and activity of the variant protein (Kim 2013). While this variant is unlikely to be causative of autosomal dominant lymphatic malformations, due to limited and conflicting information, its clinical significance in recessive disease is uncertain at this time. References: Diekmann S et al. Pelizaeus-Merzbacher-like disease is caused not only by a loss of connexin47 function but also by a hemichannel dysfunction. Eur J Hum Genet. 2010 Sep;18(9):985-92. PMID: 20442743. Henneke M et al. GJA12 mutations are a rare cause of Pelizaeus-Merzbacher-like disease. Neurology. 2008 Mar 4;70(10):748-54. PMID: 18094336. Kim MS et al. The distribution and functional properties of Pelizaeus-Merzbacher-like disease-linked Cx47 mutations on Cx47/Cx47 homotypic and Cx47/Cx43 heterotypic gap junctions. Biochem J. 2013 Jun 1;452(2):249-58. PMID: 23544880.

Blueprint Genetics
Classification: Uncertain significance. Last evaluated: 2024-11-20. Review status: criteria provided, single submitter. Criteria: ACMG Guidelines, 2015. Collection method: clinical testing. Allele origin: germline.

GeneDx
Classification: Likely benign. Last evaluated: 2020-07-15. Review status: criteria provided, single submitter. Criteria: GeneDx Variant Classification Process June 2021. Collection method: clinical testing. Allele origin: germline. Affected: yes.
Comment: This variant is associated with the following publications: (PMID: 20442743, 23544880, 18094336, 21959080)

Genome Diagnostics Laboratory, The Hospital for Sick Children
Classification: Likely benign for Hereditary spastic paraplegia. Last evaluated: 2018-11-01. Review status: criteria provided, single submitter. Criteria: ACMG Guidelines, 2015. Collection method: clinical testing. Allele origin: germline. Affected: yes.

Center for Pediatric Genomic Medicine, Children's Mercy Hospital and Clinics
Classification: Likely benign. Last evaluated: 2016-09-13. Review status: criteria provided, single submitter. Criteria: ACMG Guidelines, 2015. Collection method: clinical testing. Allele origin: germline.
ClinVar note: Converted during submission from Likely Benign to Likely benign.

PreventionGenetics, part of Exact Sciences
Classification: Likely benign for GJC2-related condition. Last evaluated: 2022-04-29. Review status: no assertion criteria provided. Collection method: clinical testing. Allele origin: germline. Not counted in ClinVar's aggregate classification.
Comment: This variant is classified as likely benign based on ACMG/AMP sequence variant interpretation guidelines (Richards et al. 2015 PMID: 25741868, with internal and published modifications).

Literature cited by the submitters: PubMed 20442743 (cited by Women's Health and Genetics/Laboratory Corporation of America, LabCorp and Mayo Clinic Laboratories, Mayo Clinic); PubMed 18094336 (cited by Women's Health and Genetics/Laboratory Corporation of America, LabCorp and Mayo Clinic Laboratories, Mayo Clinic); PubMed 23544880 (cited by Women's Health and Genetics/Laboratory Corporation of America, LabCorp and Mayo Clinic Laboratories, Mayo Clinic); PubMed 21959080 (cited by Mayo Clinic Laboratories, Mayo Clinic); PubMed 37189458 (cited by Mayo Clinic Laboratories, Mayo Clinic).

NM_020435.4(GJC2):c.1193C>T (p.Thr398Ile)

Gene: GJC2 (gap junction protein gamma 2; plus strand). Cytogenetic location: 1q42.13.
Variant type: single nucleotide variant.
Coding change: c.1193C>T on transcript NM_020435.4 (MANE Select); coding-DNA position 1193, C replaced by T.
Protein change: p.Thr398Ile; replaces threonine 398 with isoleucine.
Molecular consequence: missense variant.
Genome position (GRCh38, 1-based): chr1:228,158,951, C>T. VCF-style: chr1-228158951-C-T. GRCh37 (hg19) VCF-style: chr1-228346652-C-T.
Other names: p.Thr398Ile; short protein forms T398I.
Identifiers: ClinVar variation 241296 (VCV000241296.56), dbSNP rs140942230, ClinGen allele CA1430959.